The following is an entry in ClinVar:

NM_002616.3(PER1):c.1605A>G (p.Ala535=)

Gene: PER1 (period circadian regulator 1; minus strand). Cytogenetic location: 17p13.1.
Variant type: single nucleotide variant.
Coding change: c.1605A>G on transcript NM_002616.3 (MANE Select); coding-DNA position 1605, A replaced by G.
Protein change: p.Ala535=; no amino-acid change (alanine 535 retained).
Molecular consequence: synonymous variant.
Genome position (GRCh38, 1-based): chr17:8,147,274, T>C on the plus strand (A>G on the coding strand, the complement: PER1 is on the minus strand). VCF-style: chr17-8147274-T-C. GRCh37 (hg19) VCF-style: chr17-8050592-T-C.
Identifiers: ClinVar variation 2647447 (VCV002647447.24), dbSNP rs781316387, ClinGen allele CA8369604.

ClinVar aggregate classification (germline): Likely benign (1 of 4 stars; one submission).

Allele frequency attached by ClinVar (database versions not stated): ExAC 0.00001; gnomAD exomes 0.00001; TOPMed 0.00001.

Submission:

CeGaT Center for Human Genetics Tuebingen
Classification: Likely benign. Last evaluated: 2022-09-01. Review status: criteria provided, single submitter. Criteria: CeGaT Center For Human Genetics Tuebingen Variant Classification Criteria Version 2. Collection method: clinical testing. Allele origin: germline. Affected: yes. Observed: 1 variant allele.
Comment: PER1: BP4, BP7